The following is an entry in ClinVar:

NM_001384361.1(PMEL):c.398C>T (p.Pro133Leu)

Gene: PMEL (premelanosome protein; minus strand). Cytogenetic location: 12q13.2.
Variant type: single nucleotide variant.
Coding change: c.398C>T on transcript NM_001384361.1 (MANE Select); coding-DNA position 398, C replaced by T.
Protein change: p.Pro133Leu; replaces proline 133 with leucine.
Molecular consequence: missense variant.
Genome position (GRCh38, 1-based): chr12:55,958,544, G>A on the plus strand (C>T on the coding strand, the complement: PMEL is on the minus strand). VCF-style: chr12-55958544-G-A. GRCh37 (hg19) VCF-style: chr12-56352328-G-A.
Other names: c.140C>T, p.Pro47Leu (NM_001200053.1); c.398C>T, p.Pro133Leu (NM_001200054.1, NM_001320121.1, NM_001320122.1 and 1 more transcripts); short protein forms P133L, P47L.
Identifiers: ClinVar variation 3351596 (VCV003351596.2).

ClinVar aggregate classification (germline): Uncertain significance. Review status: criteria provided, single submitter (1 of 4 stars). 2 submissions from 2 submitters: Uncertain significance (1). 1 of the submissions does not count toward it. Last evaluated 2025-05-15.

Conditions:
PMEL-related disorder. Also called: PMEL-related condition.

Submissions (2):

Ambry Genetics
Classification: Uncertain significance. Last evaluated: 2025-05-15. Review status: criteria provided, single submitter. Criteria: Ambry Variant Classification Scheme 2023. Collection method: clinical testing. Allele origin: germline.

PreventionGenetics, part of Exact Sciences
Classification: Uncertain significance for PMEL-related condition. Last evaluated: 2024-08-02. Review status: no assertion criteria provided. Collection method: clinical testing. Allele origin: germline. Not counted in ClinVar's aggregate classification.
Comment: The PMEL c.398C>T variant is predicted to result in the amino acid substitution p.Pro133Leu. To our knowledge, this variant has not been reported in the literature. This variant is reported in 0.0046% of alleles in individuals of European (Non-Finnish) descent in gnomAD. At this time, the clinical significance of this variant is uncertain due to the absence of conclusive functional and genetic evidence.